The following is an entry in ClinVar:

NM_033380.3(COL4A5):c.1777_1779+5del

Gene: COL4A5 (collagen type IV alpha 5 chain; plus strand). Cytogenetic location: Xq22.3.
Variant type: Deletion.
Coding change: c.1777_1779+5del on transcript NM_033380.3 (MANE Select); coding-DNA position 1777 through 5 bases into the intron after coding-DNA position 1779, 8 bases deleted (CCTGTGAG; older notation c.1777_1779+5delCCTGTGAG).
Molecular consequence: splice donor variant.
Genome position (GRCh38, 1-based): chrX:108,597,566-108,597,573, CCTGTGAG deleted; deleting any 8 consecutive bases within chrX:108,597,563-108,597,573 gives the same sequence; the c. name uses the placement nearest the transcript's 3' end. VCF-style (leftmost placement, unchanged base first): chrX-108597562-AGAGCCTGT-A. GRCh37 (hg19) VCF-style: chrX-107840792-AGAGCCTGT-A.
Other names: c.1777_1779+5del (NM_000495.5).
Identifiers: ClinVar variation 1348515 (VCV001348515.6), dbSNP rs2147810566, ClinGen allele CA2573159112.

ClinVar aggregate classification (germline): Likely pathogenic (1 of 4 stars; one submission).

Submission:

Labcorp Genetics (formerly Invitae), Labcorp
Classification: Likely pathogenic. Last evaluated: 2021-06-05. Review status: criteria provided, single submitter. Criteria: Invitae Variant Classification Sherloc (09022015). Collection method: clinical testing. Allele origin: germline.
Comment: This variant has been observed in individual(s) with clinical features of Alport syndrome (Invitae). In summary, the currently available evidence indicates that the variant is pathogenic, but additional data are needed to prove that conclusively. Therefore, this variant has been classified as Likely Pathogenic. Algorithms developed to predict the effect of sequence changes on RNA splicing suggest that this variant may disrupt the consensus splice site, but this prediction has not been confirmed by published transcriptional studies. This variant is not present in population databases (ExAC no frequency). This variant results in the deletion of part of exon 24 (c.1777_1779+5del) of the COL4A5 gene. It is expected to disrupt RNA splicing. Variants that disrupt the donor or acceptor splice site typically lead to a loss of protein function (PMID: 16199547), and loss-of-function variants in COL4A5 are known to be pathogenic (PMID: 9195222, 10752524, 14514738, 24854265, 26809805).

Literature cited by the submitters: PubMed 16199547; PubMed 9195222; PubMed 10752524; PubMed 14514738; PubMed 24854265; PubMed 26809805.